The following is an entry in ClinVar:

NM_000038.6(APC):c.695G>T (p.Arg232Leu)

Gene: APC (APC regulator of Wnt signaling pathway; plus strand). Cytogenetic location: 5q22.2.
Variant type: single nucleotide variant.
Coding change: c.695G>T on transcript NM_000038.6 (MANE Select); coding-DNA position 695, G replaced by T.
Protein change: p.Arg232Leu; replaces arginine 232 with leucine.
Molecular consequence: missense variant. On other transcripts: 5 prime UTR variant (1), intron variant (2).
Genome position (GRCh38, 1-based): chr5:112,792,495, G>T. VCF-style: chr5-112792495-G-T. GRCh37 (hg19) VCF-style: chr5-112128192-G-T.
Other names: c.695G>T, p.Arg232Leu (NM_001127510.3, NM_001354895.2, NM_001354896.2 and 1 more transcripts); c.725G>T, p.Arg242Leu (NM_001354897.2, NM_001354902.2); c.620G>T, p.Arg207Leu (NM_001354898.2, NM_001354904.2); c.518G>T, p.Arg173Leu (NM_001354900.2, NM_001354901.2, NM_001354905.2); c.-341G>T (NM_001354906.2); c.676-8784G>T (NM_001127511.3); c.646-8784G>T (NM_001354899.2); short protein forms R232L, R173L, R242L, R207L.
Identifiers: ClinVar variation 964366 (VCV000964366.11), dbSNP rs201727026, ClinGen allele CA16022854.

ClinVar aggregate classification (germline): Uncertain significance (1 of 4 stars; one submission).

Conditions:
Familial adenomatous polyposis 1 (FAP1). Also called: FAMILIAL ADENOMATOUS POLYPOSIS 1, ATTENUATED; POLYPOSIS, ADENOMATOUS INTESTINAL. Identifiers: MedGen C2713442, MONDO:0021056, OMIM 175100. Disease mechanism: loss of function.

Submission:

Labcorp Genetics (formerly Invitae), Labcorp
Classification: Uncertain significance for Familial adenomatous polyposis 1. Last evaluated: 2024-03-13. Review status: criteria provided, single submitter. Criteria: Invitae Variant Classification Sherloc (09022015). Collection method: clinical testing. Allele origin: germline.
Comment: This sequence change replaces arginine, which is basic and polar, with leucine, which is neutral and non-polar, at codon 232 of the APC protein (p.Arg232Leu). This variant is not present in population databases (gnomAD no frequency). This variant has not been reported in the literature in individuals affected with APC-related conditions. ClinVar contains an entry for this variant (Variation ID: 964366). Advanced modeling of protein sequence and biophysical properties (such as structural, functional, and spatial information, amino acid conservation, physicochemical variation, residue mobility, and thermodynamic stability) performed at Invitae indicates that this missense variant is not expected to disrupt APC protein function with a negative predictive value of 95%. In summary, the available evidence is currently insufficient to determine the role of this variant in disease. Therefore, it has been classified as a Variant of Uncertain Significance.